The following is an entry in ClinVar:

ClinVar aggregate classification (germline): Uncertain significance (1 of 4 stars; one submission).

Conditions:
Tuberous sclerosis 2 (TSC2). Identifiers: Orphanet 805, MedGen C1860707, MONDO:0013199, OMIM 613254.

Submission:

Labcorp Genetics (formerly Invitae), Labcorp
Classification: Uncertain significance for Tuberous sclerosis 2. Last evaluated: 2025-03-19. Review status: criteria provided, single submitter. Criteria: Invitae Variant Classification Sherloc (09022015). Collection method: clinical testing. Allele origin: germline.
Comment: This sequence change replaces valine, which is neutral and non-polar, with alanine, which is neutral and non-polar, at codon 1041 of the TSC2 protein (p.Val1041Ala). This variant is not present in population databases (gnomAD no frequency). This variant has not been reported in the literature in individuals affected with TSC2-related conditions. ClinVar contains an entry for this variant (Variation ID: 1720749). Invitae Evidence Modeling of protein sequence and biophysical properties (such as structural, functional, and spatial information, amino acid conservation, physicochemical variation, residue mobility, and thermodynamic stability) indicates that this missense variant is not expected to disrupt TSC2 protein function with a negative predictive value of 95%. In summary, the available evidence is currently insufficient to determine the role of this variant in disease. Therefore, it has been classified as a Variant of Uncertain Significance.

NM_000548.5(TSC2):c.3122T>C (p.Val1041Ala)

Gene: TSC2 (TSC complex subunit 2; plus strand). Cytogenetic location: 16p13.3.
Variant type: single nucleotide variant.
Coding change: c.3122T>C on transcript NM_000548.5 (MANE Select); coding-DNA position 3122, T replaced by C.
Protein change: p.Val1041Ala; replaces valine 1041 with alanine.
Molecular consequence: missense variant.
Genome position (GRCh38, 1-based): chr16:2,079,187, T>C. VCF-style: chr16-2079187-T-C. GRCh37 (hg19) VCF-style: chr16-2129188-T-C.
Other names: c.2972T>C, p.Val991Ala (NM_001406676.1); c.2933T>C, p.Val978Ala (NM_001406677.1); c.2879T>C, p.Val960Ala (NM_001406678.1); c.2843T>C, p.Val948Ala (NM_001406679.1); c.2522T>C, p.Val841Ala (NM_001406680.1, NM_001406682.1, NM_001406683.1); c.2531T>C, p.Val844Ala (NM_001406681.1); c.2519T>C, p.Val840Ala (NM_001406684.1); c.2393T>C, p.Val798Ala (NM_001406685.1, NM_001406686.1); and 18 more; short protein forms V1004A, V1008A, V1027A, V1028A, V1040A, V1041A, V463A, V549A.
Identifiers: ClinVar variation 1720749 (VCV001720749.5), dbSNP rs771092741, ClinGen allele CA394284947.
Genomic context (GRCh38, chr16:2,079,187, plus strand): 5'-AGCTCACGGAAACCTGTCTGGACATGATGGCTCGATACGTCTTCTCCAACTTCACGGCTG[T>C]CCCGAAGAGGTCCAGGCGGCACTACAGGGCTGGGCGGGCCTGCGGGAGCTCCACGGGCAA-3'
Protein context (NP_000539.2, residues 1031-1051): ARYVFSNFTA[Val1041Ala]PKRSPVGEFL